The following is an entry in ClinVar:

NC_012920.1(MT-CYB):m.15159T>C

Gene: MT-CYB (mitochondrially encoded cytochrome b; plus strand).
Variant type: single nucleotide variant.
Genome position: chrM-15159-T-C.
Identifiers: ClinVar variation 693835 (VCV000693835.1), dbSNP rs1603225114, ClinGen allele CA645611453.

ClinVar aggregate classification (germline): Uncertain significance (1 of 4 stars; one submission).

Conditions:
Leigh syndrome (NULS). Also called: Leigh's necrotizing encephalopathy; Leigh's disease; Leigh's syndrome; LEIGH SYNDROME, NUCLEAR; Leigh Syndrome (mtDNA deletion); Leigh Disease. Identifiers: Orphanet 506, MedGen C2931891, MONDO:0009723, OMIM 256000.

Submission:

Wong Mito Lab, Molecular and Human Genetics, Baylor College of Medicine
Classification: Uncertain significance for Leigh syndrome. Last evaluated: 2019-10-17. Review status: criteria provided, single submitter. Criteria: Modified ACMG Guidelines (Unpublished). Collection method: clinical testing. Allele origin: germline.
Comment: The NC_012920.1:m.15159T>C (YP_003024038.1:p.Met138Thr) variant in MTCYB gene is interpretated to be a Uncertain Significance variant based on the modified ACMG guidelines (unpublished). This variant meets the following evidence codes: PP6